The following is an entry in ClinVar:

ClinVar aggregate classification (germline): Benign/Likely benign. Review status: criteria provided, multiple submitters, no conflicts (2 of 4 stars). 5 submissions from 5 submitters: Benign (1); Likely benign (4). Last evaluated 2026-06-01.

Conditions:
Hereditary cancer-predisposing syndrome. Also called: Hereditary Cancer Syndrome; Neoplastic Syndromes, Hereditary; Tumor predisposition; Hereditary neoplastic syndrome. Identifiers: Orphanet 140162, MedGen C0027672, MeSH D009386, MONDO:0015356.
Familial adenomatous polyposis 1 (FAP1). Also called: POLYPOSIS, ADENOMATOUS INTESTINAL; FAMILIAL ADENOMATOUS POLYPOSIS 1, ATTENUATED. Identifiers: MedGen C2713442, MONDO:0021056, OMIM 175100. Disease mechanism: loss of function.

Allele frequency attached by ClinVar (database versions not stated): gnomAD exomes below 0.00001 and 0.00001; ExAC 0.00002.
gnomAD v4.1: 3 of 1,613,860 alleles (0.00019%); highest among the groups gnomAD compares: Non-Finnish European, 0.00025%; no homozygotes.

Submissions (5):

CeGaT Center for Human Genetics Tuebingen
Classification: Likely benign. Last evaluated: 2026-06-01. Review status: criteria provided, single submitter. Criteria: CeGaT Center For Human Genetics Tuebingen Variant Classification Criteria Version 2. Collection method: clinical testing. Allele origin: germline. Affected: yes. Observed: 1 variant allele.
Comment: APC: BP4, BP7

Labcorp Genetics (formerly Invitae), Labcorp
Classification: Likely benign for Familial adenomatous polyposis 1. Last evaluated: 2025-07-30. Review status: criteria provided, single submitter. Criteria: Invitae Variant Classification Sherloc (09022015). Collection method: clinical testing. Allele origin: germline.

Myriad Genetics, Inc.
Classification: Benign for Familial adenomatous polyposis 1. Last evaluated: 2024-04-05. Review status: criteria provided, single submitter. Criteria: Myriad Autosomal Dominant, Autosomal Recessive and X-Linked Classification Criteria (2023). Collection method: clinical testing. Allele origin: unknown.
Comment: This variant is considered benign. This variant is a silent/synonymous amino acid change and it is not expected to impact splicing.

Color Diagnostics, LLC DBA Color Health
Classification: Likely benign for Hereditary cancer-predisposing syndrome. Last evaluated: 2021-08-09. Review status: criteria provided, single submitter. Criteria: ACMG Guidelines, 2015. Collection method: clinical testing. Allele origin: germline.

Ambry Genetics
Classification: Likely benign for Hereditary cancer-predisposing syndrome. Last evaluated: 2019-11-01. Review status: criteria provided, single submitter. Criteria: Ambry Variant Classification Scheme 2023. Collection method: clinical testing. Allele origin: germline.

NM_000038.6(APC):c.6723A>G (p.Ser2241=)

Gene: APC (APC regulator of Wnt signaling pathway; plus strand). Cytogenetic location: 5q22.2.
Variant type: single nucleotide variant.
Coding change: c.6723A>G on transcript NM_000038.6 (MANE Select); coding-DNA position 6723, A replaced by G.
Protein change: p.Ser2241=; no amino-acid change (serine 2241 retained).
Molecular consequence: synonymous variant.
Genome position (GRCh38, 1-based): chr5:112,842,317, A>G. VCF-style: chr5-112842317-A-G. GRCh37 (hg19) VCF-style: chr5-112178014-A-G.
Other names: c.6723A>G, p.Ser2241= (NM_001127510.3, NM_001354895.2); c.6669A>G, p.Ser2223= (NM_001127511.3); c.6777A>G, p.Ser2259= (NM_001354896.2); c.6753A>G, p.Ser2251= (NM_001354897.2); c.6648A>G, p.Ser2216= (NM_001354898.2); c.6639A>G, p.Ser2213= (NM_001354899.2); c.6600A>G, p.Ser2200= (NM_001354900.2); c.6546A>G, p.Ser2182= (NM_001354901.2); and 5 more.
Identifiers: ClinVar variation 826579 (VCV000826579.19), dbSNP rs748105555, ClinGen allele CA045880.
Genomic context (GRCh38, chr5:112,842,317, plus strand): 5'-GCCTTCAATCTCTCGAGGCAGGACAATGATTCATATTCCAGGAGTTCGAAATAGCTCCTC[A>G]AGTACAAGTCCTGTTTCTAAAAAAGGCCCACCCCTTAAGACTCCAGCCTCCAAAAGCCCT-3'
Protein context (NP_000029.2, residues 2231-2251): IHIPGVRNSS[Ser2241=]STSPVSKKGP